The following is an entry in ClinVar:

ClinVar aggregate classification (germline): Uncertain significance (1 of 4 stars; one submission).

Allele frequency attached by ClinVar (database versions not stated): TOPMed below 0.00001; gnomAD 0.00001.
gnomAD v4.1: 2 of 1,613,300 alleles (0.00012%); highest among the groups gnomAD compares: Non-Finnish European, 0.000085%; no homozygotes.

Submission:

GeneDx
Classification: Uncertain significance. Last evaluated: 2022-04-11. Review status: criteria provided, single submitter. Criteria: GeneDx Variant Classification Process June 2021. Collection method: clinical testing. Allele origin: germline. Affected: yes.
Comment: Not observed at significant frequency in large population cohorts (gnomAD); In silico analysis supports that this missense variant has a deleterious effect on protein structure/function; Has not been previously published as pathogenic or benign to our knowledge

NM_000141.5(FGFR2):c.2210G>C (p.Arg737Thr)

Gene: FGFR2 (fibroblast growth factor receptor 2; minus strand). Cytogenetic location: 10q26.13.
Variant type: single nucleotide variant.
Coding change: c.2210G>C on transcript NM_000141.5 (MANE Select); coding-DNA position 2210, G replaced by C.
Protein change: p.Arg737Thr; replaces arginine 737 with threonine.
Molecular consequence: missense variant. On other transcripts: non-coding transcript variant (1).
Genome position (GRCh38, 1-based): chr10:121,483,789, C>G on the plus strand (G>C on the coding strand, the complement: FGFR2 is on the minus strand). VCF-style: chr10-121483789-C-G. GRCh37 (hg19) VCF-style: chr10-123243303-C-G.
Other names: c.2213G>C, p.Arg738Thr (NM_001144913.1, NM_022970.4); c.1874G>C, p.Arg625Thr (NM_001144914.1); c.1943G>C, p.Arg648Thr (NM_001144915.2, NM_023029.3); c.1865G>C, p.Arg622Thr (NM_001144916.2); c.1862G>C, p.Arg621Thr (NM_001144917.2); c.1859G>C, p.Arg620Thr (NM_001144918.2); c.1946G>C, p.Arg649Thr (NM_001144919.2); c.1526G>C, p.Arg509Thr (NM_001320654.2); and 1 more; short protein forms R509T, R620T, R621T, R622T, R625T, R648T, R649T, R735T.
Identifiers: ClinVar variation 1710624 (VCV001710624.2), dbSNP rs1157875939, ClinGen allele CA378311078.
Genomic context (GRCh38, chr10:121,483,789, plus strand): 5'-AAGTCTTCTACCAACTGCTTGAACGTTGGTCTCTGGGAGGGCACTGCATGCCAACAGTCC[C>G]TCATCATCATGTACCTGGGAAAAATGGATTTCCTTGAATTAATTTCATATGCACTGGGTA-3'
Protein context (NP_000132.3, residues 727-747): NCTNELYMMM[Arg737Thr]DCWHAVPSQR